The following is an entry in ClinVar:

ClinVar aggregate classification (germline): Uncertain significance (1 of 4 stars; one submission).

Conditions:
Cardiovascular phenotype. Identifiers: MedGen CN230736.

Submission:

Ambry Genetics
Classification: Uncertain significance for Cardiovascular phenotype. Last evaluated: 2025-05-30. Review status: criteria provided, single submitter. Criteria: Ambry Variant Classification Scheme 2023. Collection method: clinical testing. Allele origin: germline.
Comment: The c.27224_27226delGAGinsAAA variant, located in coding exon 109 of the TTN gene, results from an in-frame deletion of GAG and insertion of AAA at nucleotide positions 27224 to 27226. This results in the substitution of the residues at codons 9075 to 9076. This amino acid positions are well conserved in available vertebrate species. In addition, the in silico prediction for this variant is inconclusive (Choi Y et al. PLoS ONE. 2012; 7(10):e46688). Based on the available evidence, the clinical significance of this variant remains unclear.

NM_001267550.2(TTN):c.54419_54421delinsAAA (p.Arg18140_Val18141delinsGlnIle)

Genes: TTN (titin; minus strand), TTN-AS1 (TTN antisense RNA 1; plus strand). Cytogenetic location: 2q31.2.
Variant type: Indel.
Coding change: c.54419_54421delinsAAA on transcript NM_001267550.2 (MANE Select); coding-DNA positions 54419 to 54421, GAG replaced by AAA.
Protein change: p.Arg18140_Val18141delinsGlnIle.
Molecular consequence: missense variant.
Genome position (GRCh38, 1-based): chr2:178,604,266-178,604,268, CTC replaced by TTT on the plus strand (GAG replaced by AAA on the coding strand, the reverse complement: TTN is on the minus strand). VCF-style: chr2-178604266-CTC-TTT. GRCh37 (hg19) VCF-style: chr2-179468993-CTC-TTT.
Other names: c.49496_49498delinsAAA, p.Arg16499_Val16500delinsGlnIle (NM_001256850.1); c.27224_27226delinsAAA, p.Arg9075_Val9076delinsGlnIle (NM_003319.4); c.46715_46717delinsAAA, p.Arg15572_Val15573delinsGlnIle (NM_133378.4); c.27599_27601delinsAAA, p.Arg9200_Val9201delinsGlnIle (NM_133432.3); c.27800_27802delinsAAA, p.Arg9267_Val9268delinsGlnIle (NM_133437.4); c.27224_27226delGAGinsAAA (NM_003319.4).
Identifiers: ClinVar variation 3975837 (VCV003975837.1).
Genomic context (GRCh38, chr2:178,604,266, plus strand): 5'-GAATGACTACTTTATCTGATTTGCACTCATCACTGATTCCATATTTATTCACTGCCCTGA[CTC>TTT]GGAACTCATACTGACCATTGGGGATAAGTTTCCAGATCTAGAAATTAGAAAAACAGAAAT-3'